The following is an entry in ClinVar:

NM_000083.3(CLCN1):c.865A>C (p.Ser289Arg)

Gene: CLCN1 (chloride voltage-gated channel 1; plus strand). Cytogenetic location: 7q34.
Variant type: single nucleotide variant.
Coding change: c.865A>C on transcript NM_000083.3 (MANE Select); coding-DNA position 865, A replaced by C.
Protein change: p.Ser289Arg; replaces serine 289 with arginine.
Molecular consequence: missense variant. On other transcripts: non-coding transcript variant (1).
Genome position (GRCh38, 1-based): chr7:143,330,783, A>C. VCF-style: chr7-143330783-A-C. GRCh37 (hg19) VCF-style: chr7-143027876-A-C.
Other names: short protein forms S289R.
Identifiers: ClinVar variation 3896345 (VCV003896345.2).

ClinVar aggregate classification (germline): Uncertain significance (1 of 4 stars; one submission).

gnomAD v4.1: 1 of 1,614,088 alleles (0.000062%); highest among the groups gnomAD compares: African/African-American, 0.0013%; no homozygotes.

Submission:

Women's Health and Genetics/Laboratory Corporation of America, LabCorp
Classification: Uncertain significance. Last evaluated: 2025-04-10. Review status: criteria provided, single submitter. Criteria: LabCorp Variant Classification Summary - May 2015. Collection method: clinical testing. Allele origin: germline.
Comment: Variant summary: CLCN1 c.865A>C (p.Ser289Arg) results in a non-conservative amino acid change in the encoded protein sequence. Five of five in-silico tools predict a damaging effect of the variant on protein function. The variant was absent in 251380 control chromosomes. The available data on variant occurrences in the general population are insufficient to allow any conclusion about variant significance. c.865A>C has been observed in at least one compound heterozygous individual affected with Myotonia congenita (e.g. Ginanneschi_2017). These report(s) do not provide unequivocal conclusions about association of the variant with Myotonia congenita. To our knowledge, no experimental evidence demonstrating an impact on protein function has been reported. The following publication has been ascertained in the context of this evaluation (PMID: 28153715). No submitters have cited clinical-significance assessments for this variant to ClinVar. Based on the evidence outlined above, the variant was classified as uncertain significance.

Literature cited by the submitters: PubMed 28153715.